The following is an entry in ClinVar:

NM_000553.6(WRN):c.1241T>G (p.Leu414Arg)

Gene: WRN (WRN RecQ like helicase; plus strand). Cytogenetic location: 8p12.
Variant type: single nucleotide variant.
Coding change: c.1241T>G on transcript NM_000553.6 (MANE Select); coding-DNA position 1241, T replaced by G.
Protein change: p.Leu414Arg; replaces leucine 414 with arginine.
Molecular consequence: missense variant.
Genome position (GRCh38, 1-based): chr8:31,081,268, T>G. VCF-style: chr8-31081268-T-G. GRCh37 (hg19) VCF-style: chr8-30938784-T-G.
Other names: short protein forms L414R.
Identifiers: ClinVar variation 944696 (VCV000944696.5), dbSNP rs1813301048, ClinGen allele CA370921437.

ClinVar aggregate classification (germline): Uncertain significance (1 of 4 stars; one submission).

Conditions:
Werner syndrome (WRN). Identifiers: Orphanet 902, MedGen C0043119, MONDO:0010196, OMIM 277700.

Submission:

Labcorp Genetics (formerly Invitae), Labcorp
Classification: Uncertain significance for Werner syndrome. Last evaluated: 2023-10-13. Review status: criteria provided, single submitter. Criteria: Invitae Variant Classification Sherloc (09022015). Collection method: clinical testing. Allele origin: germline.
Comment: This sequence change replaces leucine, which is neutral and non-polar, with arginine, which is basic and polar, at codon 414 of the WRN protein (p.Leu414Arg). This variant is not present in population databases (gnomAD no frequency). This variant has not been reported in the literature in individuals affected with WRN-related conditions. ClinVar contains an entry for this variant (Variation ID: 944696). An algorithm developed to predict the effect of missense changes on protein structure and function (PolyPhen-2) suggests that this variant is likely to be disruptive. In summary, the available evidence is currently insufficient to determine the role of this variant in disease. Therefore, it has been classified as a Variant of Uncertain Significance.